The following is an entry in ClinVar:

ClinVar aggregate classification (germline): Likely pathogenic (1 of 4 stars; one submission).

Conditions:
LAMA2-related muscular dystrophy (LAMA2-RD). Also called: Laminin alpha 2-related dystrophy. Identifiers: MedGen C5679788, MONDO:0100228.

Submission:

Myriad Genetics, Inc.
Classification: Likely pathogenic for LAMA2-related muscular dystrophy. Last evaluated: 2022-03-31. Review status: criteria provided, single submitter. Criteria: Myriad Autosomal Dominant, Autosomal Recessive and X-Linked Classification Criteria (2023). Collection method: clinical testing. Allele origin: unknown.
Comment: NM_000426.3(LAMA2):c.507_508ins7(A170Qfs*28) is expected to be pathogenic in the context of muscular dystrophy, LAMA2-related. This variant is predicted to lead to an abnormal or absent protein product due to the creation of a premature termination codon in LAMA2, a gene where loss-of-function variants are known to be pathogenic. Please note: this variant was assessed in the context of healthy population screening.

NM_000426.4(LAMA2):c.507_508insCAAGAGA (p.Ala170fs)

Gene: LAMA2 (laminin subunit alpha 2; plus strand). Cytogenetic location: 6q22.33.
Variant type: Insertion.
Coding change: c.507_508insCAAGAGA on transcript NM_000426.4 (MANE Select); coding-DNA positions 507 to 508, CAAGAGA inserted.
Protein change: p.Ala170fs; shifts the reading frame from alanine 170.
Molecular consequence: frameshift variant.
Genome position: GRCh38 VCF-style: chr6-129098283-T-TCAAGAGA. GRCh37 (hg19) VCF-style: chr6-129419428-T-TCAAGAGA.
Other names: c.507_508insCAAGAGA, p.Ala170fs (NM_001079823.2); short protein forms A170fs.
Identifiers: ClinVar variation 1725735 (VCV001725735.3), dbSNP rs2482427954, ClinGen allele CA2580074888.